The following is an entry in ClinVar:

ClinVar aggregate classification (germline): Uncertain significance (1 of 4 stars; one submission).

Conditions:
Dyskeratosis congenita, autosomal dominant 1 (DKCA1). Also called: Dyskeratosis congenita Scoggins type. Identifiers: Orphanet 1775, MedGen C4551974, MONDO:0007485, OMIM 127550. Inheritance: Variable.

Submission:

Labcorp Genetics (formerly Invitae), Labcorp
Classification: Uncertain significance for Dyskeratosis congenita, autosomal dominant 1. Last evaluated: 2022-10-08. Review status: criteria provided, single submitter. Criteria: Invitae Variant Classification Sherloc (09022015). Collection method: clinical testing. Allele origin: germline.
Comment: This variant is located in a region of TERC in which a significant number of disease causing variants have been reported (PMID: 15082312, 21844345, 21931702). These observations suggest that this may be a clinically significant region. This variant is located within the template/pseudoknot domain of the TERC RNA component, which is required for RNA or RNP stability (PMID: 15082312, 21844345). In summary, the available evidence is currently insufficient to determine the role of this variant in disease. Therefore, it has been classified as a Variant of Uncertain Significance. This variant has not been reported in the literature in individuals affected with TERC-related conditions. This variant is not present in population databases (gnomAD no frequency). This variant occurs in the TERC gene, which encodes an RNA molecule that does not result in a protein product.

Literature cited by the submitters: PubMed 15082312; PubMed 21844345; PubMed 21931702.

NC_000003.12:g.169764962A>G

Genes: TERC (telomerase RNA component; minus strand), LOC110806306 (telomerase RNA component (TERC) promoter; plus strand). Cytogenetic location: 3q26.2.
Variant type: single nucleotide variant.
Genome position: GRCh38 VCF-style: chr3-169764962-A-G. GRCh37 (hg19) VCF-style: chr3-169482750-A-G.
Identifiers: ClinVar variation 2034722 (VCV002034722.4), dbSNP rs2474262475, ClinGen allele CA436715808.